The following is an entry in ClinVar:

NM_012144.4(DNAI1):c.2006del (p.Lys669fs)

Gene: DNAI1 (dynein axonemal intermediate chain 1; plus strand). Cytogenetic location: 9p13.3.
Variant type: Deletion.
Coding change: c.2006del on transcript NM_012144.4 (MANE Select); coding-DNA position 2006, one base deleted (A; older notation c.2006delA).
Protein change: p.Lys669fs; shifts the reading frame from lysine 669.
Molecular consequence: frameshift variant.
Genome position (GRCh38, 1-based): chr9:34,520,662, A deleted; the last of 4 consecutive A bases (chr9:34,520,659-34,520,662); deleting any one gives the same sequence. VCF-style (leftmost placement, unchanged base first): chr9-34520658-GA-G. GRCh37 (hg19) VCF-style: chr9-34520656-GA-G.
Other names: c.2018del, p.Lys673fs (NM_001281428.2); short protein forms K669fs, K673fs.
Identifiers: ClinVar variation 5003412 (VCV005003412.1).
Genomic context (GRCh38, chr9:34,520,658, plus strand): 5'-TGGGACCCAGAGAGGGGGGGCCCACCATTCCTCCCTCATGTATACTTTCCCTCTCCCCAG[GA>G]AAAGAAGGGGCAGGAGGTGCAGAAGGGTCCAGCTGTGGAGATTGCGAAACTGGACAAACT-3'

ClinVar aggregate classification (germline): Uncertain significance (1 of 4 stars; one submission).

Conditions:
Kartagener syndrome (CILD1). Also called: POLYNESIAN BRONCHIECTASIS; CILIARY DYSKINESIA, PRIMARY, 1; CILIARY DYSKINESIA, PRIMARY, 1, WITH OR WITHOUT SITUS INVERSUS; IMMOTILE CILIA SYNDROME; Dextrocardia bronchiectasis and sinusitis; SIEWERT SYNDROME. Identifiers: Orphanet 244, MedGen C4551906, MONDO:0009484, OMIM 244400.

Submission:

Myriad Genetics, Inc.
Classification: Uncertain significance for Kartagener syndrome. Last evaluated: 2026-03-16. Review status: criteria provided, single submitter. Criteria: Myriad Autosomal Dominant, Autosomal Recessive and X-Linked Classification Criteria (2023). Collection method: clinical testing. Allele origin: unknown.
Comment: NM_012144.2(DNAI1):c.2006delA(K669Rfs*21) is a frameshift variant classified as a variant of uncertain significance in the context of primary ciliary dyskinesia, DNAI1-related. K669Rfs*21 has not been observed in cases with relevant disease. Relevant functional assessments of this variant are not available in the literature. K669Rfs*21 has been observed in referenced population frequency databases. In summary, there is insufficient evidence to classify NM_012144.2(DNAI1):c.2006delA(K669Rfs*21) as pathogenic or benign. Please note: this variant was assessed in the context of healthy population screening.